The following is an entry in ClinVar:

ClinVar aggregate classification (germline): Conflicting classifications of pathogenicity. Review status: criteria provided, conflicting classifications (1 of 4 stars). 2 submissions from 2 submitters: Likely pathogenic (1); Uncertain significance (1). Last evaluated 2026-03-20.

Conditions:
Hereditary cancer-predisposing syndrome. Also called: Neoplastic Syndromes, Hereditary; Hereditary Cancer Syndrome; Tumor predisposition; Hereditary neoplastic syndrome. Identifiers: Orphanet 140162, MedGen C0027672, MeSH D009386, MONDO:0015356.
Ataxia-telangiectasia syndrome (AT). Also called: LOUIS-BAR SYNDROME; Cerebello-oculocutaneous telangiectasia; Immunodeficiency with ataxia telangiectasia; Ataxia-telangiectasia, complementation group D; AT, COMPLEMENTATION GROUP C; Ataxia-telangiectasia, complementation group E. Identifiers: Orphanet 100, MedGen C0004135, MONDO:0008840, OMIM 208900.

Submissions (2):

Ambry Genetics
Classification: Uncertain significance for Hereditary cancer-predisposing syndrome. Last evaluated: 2026-03-20. Review status: criteria provided, single submitter. Criteria: Ambry Variant Classification Scheme 2023. Collection method: clinical testing. Allele origin: germline.
Comment: The p.R3008G variant (also known as c.9022C>G), located in coding exon 62 of the ATM gene, results from a C to G substitution at nucleotide position 9022. The arginine at codon 3008 is replaced by glycine, an amino acid with dissimilar properties. This amino acid position is highly conserved in available vertebrate species. In addition, the in silico prediction for this alteration is inconclusive. Based on the available evidence, the clinical significance of this variant remains unclear.

Labcorp Genetics (formerly Invitae), Labcorp
Classification: Likely pathogenic for Ataxia-telangiectasia syndrome. Last evaluated: 2024-04-08. Review status: criteria provided, single submitter. Criteria: Invitae Variant Classification Sherloc (09022015). Collection method: clinical testing. Allele origin: germline.
Comment: This sequence change replaces arginine, which is basic and polar, with glycine, which is neutral and non-polar, at codon 3008 of the ATM protein (p.Arg3008Gly). This variant is not present in population databases (gnomAD no frequency). This variant has not been reported in the literature in individuals affected with ATM-related conditions. ClinVar contains an entry for this variant (Variation ID: 482635). An algorithm developed to predict the effect of missense changes on protein structure and function (PolyPhen-2) suggests that this variant is likely to be disruptive. This variant disrupts the p.Arg3008 amino acid residue in ATM. Other variant(s) that disrupt this residue have been determined to be pathogenic (PMID: 9872980, 10817650, 12552566, 15101044, 18573109, 30549301). This suggests that this residue is clinically significant, and that variants that disrupt this residue are likely to be disease-causing. In summary, the currently available evidence indicates that the variant is pathogenic, but additional data are needed to prove that conclusively. Therefore, this variant has been classified as Likely Pathogenic.

Literature cited by the submitters: PubMed 9872980 (cited by Labcorp Genetics (formerly Invitae), Labcorp); PubMed 10817650 (cited by Labcorp Genetics (formerly Invitae), Labcorp); PubMed 12552566 (cited by Labcorp Genetics (formerly Invitae), Labcorp); PubMed 15101044 (cited by Labcorp Genetics (formerly Invitae), Labcorp); PubMed 18573109 (cited by Labcorp Genetics (formerly Invitae), Labcorp); PubMed 30549301 (cited by Labcorp Genetics (formerly Invitae), Labcorp).

NM_000051.4(ATM):c.9022C>G (p.Arg3008Gly)

Genes: ATM (ATM serine/threonine kinase; plus strand), C11orf65 (chromosome 11 open reading frame 65; minus strand). Cytogenetic location: 11q22.3.
Variant type: single nucleotide variant.
Coding change: c.9022C>G on transcript NM_000051.4 (MANE Select); coding-DNA position 9022, C replaced by G.
Protein change: p.Arg3008Gly; replaces arginine 3008 with glycine.
Molecular consequence: missense variant. On other transcripts: intron variant (2).
Genome position (GRCh38, 1-based): chr11:108,365,359, C>G. VCF-style: chr11-108365359-C-G. GRCh37 (hg19) VCF-style: chr11-108236086-C-G.
Other names: c.9022C>G, p.Arg3008Gly (NM_001351834.2); c.640+20561G>C (NM_001330368.2); c.694+20561G>C (NM_001351110.2); short protein forms R3008G.
Identifiers: ClinVar variation 482635 (VCV000482635.16), dbSNP rs587782292, ClinGen allele CA382531129.
Genomic context (GRCh38, chr11:108,365,359, plus strand): 5'-TGAAACCTTTGTGTTTTTGTCCTTAGTGATATTGACCAGAGTTTCAACAAAGTAGCTGAA[C>G]GTGTCTTAATGAGACTACAAGAGAAACTGAAAGGAGTGGAAGAAGGCACTGTGCTCAGTG-3'
Protein context (NP_000042.3, residues 2998-3018): IDQSFNKVAE[Arg3008Gly]VLMRLQEKLK